The following is an entry in ClinVar:

ClinVar aggregate classification (germline): Uncertain significance. Review status: criteria provided, multiple submitters, no conflicts (2 of 4 stars). 2 submissions from 2 submitters: Uncertain significance (2). Last evaluated 2024-10-21.

Conditions:
Inborn genetic diseases. Identifiers: MedGen C0950123, MeSH D030342.
Predisposition to invasive fungal disease due to CARD9 deficiency (IMD103). Also called: Candidiasis, familial, 2, autosomal recessive; CARD9 IMMUNODEFICIENCY; IMMUNODEFICIENCY 103, SUSCEPTIBILITY TO FUNGAL INFECTIONS. Identifiers: Orphanet 457088, MedGen C1859353, MONDO:0008905, OMIM 212050.

Allele frequency attached by ClinVar (database versions not stated): gnomAD exomes 0.00010 and 0.00028; gnomAD 0.00011; TOPMed 0.00011; ExAC 0.00012; ESP Exome Variant Server 0.00023.

Submissions (2):

Labcorp Genetics (formerly Invitae), Labcorp
Classification: Uncertain significance for Predisposition to invasive fungal disease due to CARD9 deficiency. Last evaluated: 2024-10-21. Review status: criteria provided, single submitter. Criteria: Invitae Variant Classification Sherloc (09022015). Collection method: clinical testing. Allele origin: germline.
Comment: This sequence change replaces alanine, which is neutral and non-polar, with threonine, which is neutral and polar, at codon 198 of the CARD9 protein (p.Ala198Thr). This variant is present in population databases (rs139295959, gnomAD 0.02%). This variant has not been reported in the literature in individuals affected with CARD9-related conditions. ClinVar contains an entry for this variant (Variation ID: 958984). Invitae Evidence Modeling of protein sequence and biophysical properties (such as structural, functional, and spatial information, amino acid conservation, physicochemical variation, residue mobility, and thermodynamic stability) indicates that this missense variant is not expected to disrupt CARD9 protein function with a negative predictive value of 80%. In summary, the available evidence is currently insufficient to determine the role of this variant in disease. Therefore, it has been classified as a Variant of Uncertain Significance.

Ambry Genetics
Classification: Uncertain significance for Inborn genetic diseases. Last evaluated: 2022-09-14. Review status: criteria provided, single submitter. Criteria: Ambry Variant Classification Scheme 2023. Collection method: clinical testing. Allele origin: germline.

NM_052813.5(CARD9):c.592G>A (p.Ala198Thr)

Gene: CARD9 (caspase recruitment domain family member 9; minus strand). Cytogenetic location: 9q34.3.
Variant type: single nucleotide variant.
Coding change: c.592G>A on transcript NM_052813.5 (MANE Select); coding-DNA position 592, G replaced by A.
Protein change: p.Ala198Thr; replaces alanine 198 with threonine.
Molecular consequence: missense variant.
Genome position (GRCh38, 1-based): chr9:136,370,876, C>T on the plus strand (G>A on the coding strand, the complement: CARD9 is on the minus strand). VCF-style: chr9-136370876-C-T. GRCh37 (hg19) VCF-style: chr9-139265328-C-T.
Other names: c.592G>A, p.Ala198Thr (NM_052814.4); short protein forms A198T.
Identifiers: ClinVar variation 958984 (VCV000958984.7), dbSNP rs139295959, ClinGen allele CA5333082.